The following is an entry in ClinVar:

NM_001211.6(BUB1B):c.2208_2211dup (p.Ser738fs)

Gene: BUB1B (BUB1 mitotic checkpoint serine/threonine kinase B; plus strand). Cytogenetic location: 15q15.1.
Variant type: Duplication.
Coding change: c.2208_2211dup on transcript NM_001211.6 (MANE Select); coding-DNA positions 2208 to 2211, 4 bases duplicated (GTTA; older notation c.2208_2211dupGTTA).
Protein change: p.Ser738fs; shifts the reading frame from serine 738.
Molecular consequence: frameshift variant.
Genome position (GRCh38, 1-based): chr15:40,209,699-40,209,702, GTTA duplicated; duplicating any 4 consecutive bases within chr15:40,209,698-40,209,702 gives the same sequence; the c. name uses the placement nearest the transcript's 3' end. VCF-style (leftmost placement, unchanged base first): chr15-40209697-G-GAGTT. GRCh37 (hg19) VCF-style: chr15-40501898-G-GAGTT.
Other names: c.2208_2211dupGTTA (NM_001211.5); short protein forms S738fs.
Identifiers: ClinVar variation 6763 (VCV000006763.4), dbSNP rs1392909108, ClinGen allele CA617556394.

ClinVar aggregate classification (germline): Pathogenic. Review status: criteria provided, single submitter (1 of 4 stars). 3 submissions from 2 submitters: Pathogenic (1). 2 of the submissions do not count toward it. Last evaluated 2023-09-08.

Conditions:
Premature chromatid separation trait (PCS). Also called: TOTAL PREMATURE CHROMATID SEPARATION TRAIT. Identifiers: MedGen C1864389, MONDO:0008304, OMIM 176430.
Mosaic variegated aneuploidy syndrome 1 (MVA1). Also called: Warburton-Anyane-Yeboa syndrome. Identifiers: Orphanet 1052, MedGen C1850343, MONDO:0009759, OMIM 257300.

Submissions (3):

Labcorp Genetics (formerly Invitae), Labcorp
Classification: Pathogenic for Mosaic variegated aneuploidy syndrome 1. Last evaluated: 2023-09-08. Review status: criteria provided, single submitter. Criteria: Invitae Variant Classification Sherloc (09022015). Collection method: clinical testing. Allele origin: germline.
Comment: For these reasons, this variant has been classified as Pathogenic. ClinVar contains an entry for this variant (Variation ID: 6763). This variant is also known as 2211–2insGTTA, S738fsX753. This premature translational stop signal has been observed in individual(s) with mosaic variegated aneuploidy (PMID: 15475955). This variant is present in population databases (no rsID available, gnomAD 0.0009%). This sequence change creates a premature translational stop signal (p.Ser738Valfs*16) in the BUB1B gene. It is expected to result in an absent or disrupted protein product. Loss-of-function variants in BUB1B are known to be pathogenic (PMID: 15475955, 21190457).

OMIM
Classification: Pathogenic for MOSAIC VARIEGATED ANEUPLOIDY SYNDROME 1. Last evaluated: 2004-11-01. Review status: no assertion criteria provided. Collection method: literature only. Allele origin: germline. Not counted in ClinVar's aggregate classification.

OMIM
Classification: Affects for PREMATURE CHROMATID SEPARATION TRAIT. Last evaluated: 2004-11-01. Review status: no assertion criteria provided. Collection method: literature only. Allele origin: germline. Not counted in ClinVar's aggregate classification.

Literature cited by the submitters: PubMed 15475955 (cited by Labcorp Genetics (formerly Invitae), Labcorp and OMIM); PubMed 21190457 (cited by Labcorp Genetics (formerly Invitae), Labcorp).